The following is an entry in ClinVar:

ClinVar aggregate classification (germline): Uncertain significance (1 of 4 stars; one submission).

Conditions:
Congenital sideroblastic anemia-B-cell immunodeficiency-periodic fever-developmental delay syndrome. Also called: Sideroblastic anemia with B-cell immunodeficiency, periodic fevers, and developmental delay. Identifiers: Orphanet 369861, MedGen C4015172, MONDO:0014487, OMIM 616084.

Allele frequency attached by ClinVar (database versions not stated): gnomAD exomes below 0.00001; TOPMed below 0.00001.
gnomAD v4.1: 1 of 1,614,182 alleles (0.000062%); highest among the groups gnomAD compares: Non-Finnish European, 0.000085%; no homozygotes.

Submission:

Labcorp Genetics (formerly Invitae), Labcorp
Classification: Uncertain significance for Congenital sideroblastic anemia-B-cell immunodeficiency-periodic fever-developmental delay syndrome. Last evaluated: 2025-09-02. Review status: criteria provided, single submitter. Criteria: Invitae Variant Classification Sherloc (09022015). Collection method: clinical testing. Allele origin: germline.
Comment: This sequence change replaces glutamic acid, which is acidic and polar, with alanine, which is neutral and non-polar, at codon 137 of the TRNT1 protein (p.Glu137Ala). This variant is not present in population databases (gnomAD no frequency). This variant has not been reported in the literature in individuals affected with TRNT1-related conditions. ClinVar contains an entry for this variant (Variation ID: 1395722). Invitae Evidence Modeling of protein sequence and biophysical properties (such as structural, functional, and spatial information, amino acid conservation, physicochemical variation, residue mobility, and thermodynamic stability) indicates that this missense variant is expected to disrupt TRNT1 protein function with a positive predictive value of 80%. In summary, the available evidence is currently insufficient to determine the role of this variant in disease. Therefore, it has been classified as a Variant of Uncertain Significance.

NM_182916.3(TRNT1):c.410A>C (p.Glu137Ala)

Gene: TRNT1 (tRNA nucleotidyl transferase 1; plus strand). Cytogenetic location: 3p26.2.
Variant type: single nucleotide variant.
Coding change: c.410A>C on transcript NM_182916.3 (MANE Select); coding-DNA position 410, A replaced by C.
Protein change: p.Glu137Ala; replaces glutamic acid 137 with alanine.
Molecular consequence: missense variant. On other transcripts: non-coding transcript variant (6).
Genome position (GRCh38, 1-based): chr3:3,140,577, A>C. VCF-style: chr3-3140577-A-C. GRCh37 (hg19) VCF-style: chr3-3182261-A-C.
Other names: c.410A>C, p.Glu137Ala (NM_001302946.2, NM_001367321.1, NM_001367322.1 and 1 more transcripts); short protein forms E137A.
Identifiers: ClinVar variation 1395722 (VCV001395722.8), dbSNP rs1705583571, ClinGen allele CA351444007.